The following is an entry in ClinVar:

ClinVar aggregate classification (germline): Uncertain significance (1 of 4 stars; one submission).

Allele frequency attached by ClinVar (database versions not stated): TOPMed below 0.00001.

Submission:

Labcorp Genetics (formerly Invitae), Labcorp
Classification: Uncertain significance. Last evaluated: 2022-03-14. Review status: criteria provided, single submitter. Criteria: Invitae Variant Classification Sherloc (09022015). Collection method: clinical testing. Allele origin: germline.
Comment: This variant is not present in population databases (gnomAD no frequency). This sequence change replaces valine, which is neutral and non-polar, with alanine, which is neutral and non-polar, at codon 3723 of the HMCN1 protein (p.Val3723Ala). This variant has not been reported in the literature in individuals affected with HMCN1-related conditions. Algorithms developed to predict the effect of missense changes on protein structure and function (SIFT, PolyPhen-2, Align-GVGD) all suggest that this variant is likely to be tolerated. In summary, the available evidence is currently insufficient to determine the role of this variant in disease. Therefore, it has been classified as a Variant of Uncertain Significance.

NM_031935.3(HMCN1):c.11168T>C (p.Val3723Ala)

Gene: HMCN1 (hemicentin 1; plus strand). Cytogenetic location: 1q31.1.
Variant type: single nucleotide variant.
Coding change: c.11168T>C on transcript NM_031935.3 (MANE Select); coding-DNA position 11168, T replaced by C.
Protein change: p.Val3723Ala; replaces valine 3723 with alanine.
Molecular consequence: missense variant.
Genome position (GRCh38, 1-based): chr1:186,114,015, T>C. VCF-style: chr1-186114015-T-C. GRCh37 (hg19) VCF-style: chr1-186083147-T-C.
Other names: short protein forms V3723A.
Identifiers: ClinVar variation 1968539 (VCV001968539.5), dbSNP rs1413008626, ClinGen allele CA343940963.